The following is an entry in ClinVar:

ClinVar aggregate classification (germline): Uncertain significance (1 of 4 stars; one submission).

Conditions:
Adams-Oliver syndrome 5 (AOS5). Identifiers: Orphanet 974, MedGen C4014970, MONDO:0014459, OMIM 616028.

Submission:

Labcorp Genetics (formerly Invitae), Labcorp
Classification: Uncertain significance for Adams-Oliver syndrome 5. Last evaluated: 2021-12-10. Review status: criteria provided, single submitter. Criteria: Invitae Variant Classification Sherloc (09022015). Collection method: clinical testing. Allele origin: germline.
Comment: In summary, the available evidence is currently insufficient to determine the role of this variant in disease. Therefore, it has been classified as a Variant of Uncertain Significance. This sequence change replaces leucine, which is neutral and non-polar, with arginine, which is basic and polar, at codon 102 of the NOTCH1 protein (p.Leu102Arg). This variant is not present in population databases (gnomAD no frequency). This variant has not been reported in the literature in individuals affected with NOTCH1-related conditions. Advanced modeling of protein sequence and biophysical properties (such as structural, functional, and spatial information, amino acid conservation, physicochemical variation, residue mobility, and thermodynamic stability) performed at Invitae indicates that this missense variant is not expected to disrupt NOTCH1 protein function.

NM_017617.5(NOTCH1):c.305T>G (p.Leu102Arg)

Gene: NOTCH1 (notch receptor 1; minus strand). Cytogenetic location: 9q34.3.
Variant type: single nucleotide variant.
Coding change: c.305T>G on transcript NM_017617.5 (MANE Select); coding-DNA position 305, T replaced by G.
Protein change: p.Leu102Arg; replaces leucine 102 with arginine.
Molecular consequence: missense variant.
Genome position (GRCh38, 1-based): chr9:136,523,815, A>C on the plus strand (T>G on the coding strand, the complement: NOTCH1 is on the minus strand). VCF-style: chr9-136523815-A-C. GRCh37 (hg19) VCF-style: chr9-139418267-A-C.
Other names: short protein forms L102R.
Identifiers: ClinVar variation 1355470 (VCV001355470.6), dbSNP rs2133379239, ClinGen allele CA375572759.